The following is an entry in ClinVar:

ClinVar aggregate classification (germline): Benign (1 of 4 stars; one submission).

Allele frequency attached by ClinVar (database versions not stated): 1000 Genomes Project 0.00519; 1000 Genomes Project 30x 0.00593; gnomAD 0.00746; TOPMed 0.00762; ExAC 0.00860.
gnomAD v4.1: 6,244 of 700,940 alleles (0.89%); highest among the groups gnomAD compares: Non-Finnish European, 1.3%; 58 homozygotes.

Submission:

CeGaT Center for Human Genetics Tuebingen
Classification: Benign. Last evaluated: 2026-09-01. Review status: criteria provided, single submitter. Criteria: CeGaT Center For Human Genetics Tuebingen Variant Classification Criteria Version 2. Collection method: clinical testing. Allele origin: germline. Affected: yes. Observed: 14 variant alleles.
Comment: PDZD7: BS1, BS2

NM_001195263.2(PDZD7):c.1522+452T>G

Gene: PDZD7 (PDZ domain containing 7; minus strand). Cytogenetic location: 10q24.31.
Variant type: single nucleotide variant.
Coding change: c.1522+452T>G on transcript NM_001195263.2 (MANE Select); 452 bases into the intron after coding-DNA position 1522, T replaced by G.
Molecular consequence: intron variant.
Genome position (GRCh38, 1-based): chr10:101,017,647, A>C on the plus strand (T>G on the coding strand, the complement: PDZD7 is on the minus strand). VCF-style: chr10-101017647-A-C. GRCh37 (hg19) VCF-style: chr10-102777404-A-C.
Other names: c.1523-32T>G (NM_024895.5); c.1551-32T>G (NM_001351044.2).
Identifiers: ClinVar variation 2570773 (VCV002570773.27), dbSNP rs138863546, ClinGen allele CA5654063.
Genomic context (GRCh38, chr10:101,017,647, plus strand): 5'-GCCTGGGCAACAGGGTGAAACCCCCATCTCTACAAAAAGATGCAAAAAAATTAGCTGAGC[A>C]TGGTGATGCACACGTGTCATGCCAGCACTTTGGGAGGCTGAGGTGGGAGGATCGCTTGAG-3'